The following is an entry in ClinVar:

NM_001330078.2(NRXN1):c.501C>G (p.Leu167=)

Gene: NRXN1 (neurexin 1; minus strand). Cytogenetic location: 2p16.3.
Variant type: single nucleotide variant.
Coding change: c.501C>G on transcript NM_001330078.2 (MANE Select); coding-DNA position 501, C replaced by G.
Protein change: p.Leu167=; no amino-acid change (leucine 167 retained).
Molecular consequence: synonymous variant.
Genome position (GRCh38, 1-based): chr2:51,027,773, G>C on the plus strand (C>G on the coding strand, the complement: NRXN1 is on the minus strand). VCF-style: chr2-51027773-G-C. GRCh37 (hg19) VCF-style: chr2-51254911-G-C.
Other names: p.L167L:CTC>CTG; p.Leu167=; c.501C>G (NM_001135659.2); c.501C>G, p.Leu167= (NM_001135659.3, NM_001330077.2, NM_001330079.2 and 15 more transcripts).
Identifiers: ClinVar variation 138557 (VCV000138557.55), dbSNP rs200248561, ClinGen allele CA232555.

ClinVar aggregate classification (germline): Benign/Likely benign. Review status: criteria provided, multiple submitters, no conflicts (2 of 4 stars). 12 submissions from 12 submitters: Benign (2); Likely benign (8). 2 of the submissions do not count toward it. Last evaluated 2026-02-03.

Conditions:
Inborn genetic diseases. Identifiers: MedGen C0950123, MeSH D030342.
Pitt-Hopkins-like syndrome 2 (PTHSL2). Identifiers: Orphanet 221150, Orphanet 600663, MedGen C3280479, MONDO:0013690, OMIM 614325.

Allele frequency attached by ClinVar (database versions not stated): gnomAD exomes 0.00054; ExAC 0.00059; 1000 Genomes Project 30x 0.00109; 1000 Genomes Project 0.00120; gnomAD 0.00136 and 0.00145; TOPMed 0.00147; ESP Exome Variant Server 0.00168.
gnomAD v4.1: 577 of 1,612,478 alleles (0.036%); highest among the groups gnomAD compares: African/African-American, 0.41%; 2 homozygotes.

Submissions (12):

Labcorp Genetics (formerly Invitae), Labcorp
Classification: Benign for Pitt-Hopkins-like syndrome 2. Last evaluated: 2026-02-03. Review status: criteria provided, single submitter. Criteria: Invitae Variant Classification Sherloc (09022015). Collection method: clinical testing. Allele origin: germline.

Mayo Clinic Laboratories, Mayo Clinic
Classification: Likely benign. Last evaluated: 2025-04-29. Review status: criteria provided, single submitter. Criteria: ACMG Guidelines, 2015. Collection method: clinical testing. Allele origin: germline. Observed: 1 variant allele.
Comment: BS1, BP4, BP7

CeGaT Center for Human Genetics Tuebingen
Classification: Likely benign. Last evaluated: 2025-02-01. Review status: criteria provided, single submitter. Criteria: CeGaT Center For Human Genetics Tuebingen Variant Classification Criteria Version 2. Collection method: clinical testing. Allele origin: germline. Affected: yes. Observed: 3 variant alleles.
Comment: NRXN1: BP4

Blueprint Genetics
Classification: Likely benign. Last evaluated: 2024-10-14. Review status: criteria provided, single submitter. Criteria: ACMG Guidelines, 2015. Collection method: clinical testing. Allele origin: germline.

Illumina Laboratory Services, Illumina
Classification: Likely benign for Pitt-Hopkins-like syndrome 2. Last evaluated: 2018-01-13. Review status: criteria provided, single submitter. Criteria: ICSL Variant Classification Criteria 13 December 2019. Collection method: clinical testing. Allele origin: germline.
Comment: This variant was observed in the ICSL laboratory as part of a predisposition screen in an ostensibly healthy population. It had not been previously curated by ICSL or reported in the Human Gene Mutation Database (HGMD: prior to June 1st, 2018), and was therefore a candidate for classification through an automated scoring system. Utilizing variant allele frequency, disease prevalence and penetrance estimates, and inheritance mode, an automated score was calculated to assess if this variant is too frequent to cause the disease. Based on the score and internal cut-off values, a variant classified as likely benign is not then subjected to further curation. The score for this variant resulted in a classification of likely benign for this disease.

Athena Diagnostics
Classification: Likely benign. Last evaluated: 2017-09-07. Review status: criteria provided, single submitter. Criteria: Athena Diagnostics Criteria. Collection method: clinical testing. Allele origin: germline.

Genetic Services Laboratory, University of Chicago
Classification: Likely benign. Last evaluated: 2017-04-24. Review status: criteria provided, single submitter. Criteria: ACMG Guidelines, 2015. Collection method: clinical testing. Allele origin: germline. Affected: no.

Ambry Genetics
Classification: Likely benign for Inborn genetic diseases. Last evaluated: 2016-06-15. Review status: criteria provided, single submitter. Criteria: Ambry Variant Classification Scheme 2023. Collection method: clinical testing. Allele origin: germline.

Eurofins Ntd Llc (ga)
Classification: Likely benign. Last evaluated: 2015-10-06. Review status: criteria provided, single submitter. Criteria: EGL Classification Definitions 2015. Collection method: clinical testing. Allele origin: germline. Observed: 4 variant alleles, 4 heterozygotes.

GeneDx
Classification: Benign. Last evaluated: 2013-01-22. Review status: criteria provided, single submitter. Criteria: GeneDx Variant Classification (06012015). Collection method: clinical testing. Allele origin: germline. Affected: yes.
Comment: This variant is considered likely benign or benign based on one or more of the following criteria: it is a conservative change, it occurs at a poorly conserved position in the protein, it is predicted to be benign by multiple in silico algorithms, and/or has population frequency not consistent with disease.

Clinical Genetics DNA and cytogenetics Diagnostics Lab, Erasmus MC, Erasmus Medical Center
Classification: Likely benign. Review status: no assertion criteria provided. Collection method: clinical testing. Allele origin: germline. Affected: yes. Study: VKGL Data-share Consensus. Not counted in ClinVar's aggregate classification.

Genome Diagnostics Laboratory, University Medical Center Utrecht
Classification: Likely benign. Review status: no assertion criteria provided. Collection method: clinical testing. Allele origin: germline. Affected: yes. Study: VKGL Data-share Consensus. Not counted in ClinVar's aggregate classification.